The following is an entry in ClinVar:

NM_006073.4(TRDN):c.946AAG[2] (p.Lys318del)

Gene: TRDN (triadin; minus strand). Cytogenetic location: 6q22.31.
Variant type: Microsatellite.
Coding change: c.946AAG[2] on transcript NM_006073.4 (MANE Select); two copies in a row of the 3-base unit AAG starting at c.946; the reference has three copies in a row; one copy, 3 bases deleted; also written c.952_954del.
Protein change: p.Lys318del; deletes lysine 318.
Molecular consequence: inframe deletion.
Genome position (GRCh38, 1-based): chr6:123,438,981-123,438,983, CTT deleted on the plus strand (AAG on the coding strand, the reverse complement: TRDN is on the minus strand); deleting any 3 consecutive bases within chr6:123,438,981-123,438,989 gives the same sequence; the position shown is the placement nearest the transcript's 3' end. VCF-style (leftmost placement, unchanged base first): chr6-123438980-CCTT-C. GRCh37 (hg19) VCF-style: chr6-123760125-CCTT-C.
Other names: p.Lys318del; c.952_954del (NM_006073.4); c.952_954delAAG (NM_006073.2); c.946AAG[2], p.Lys318del (NM_001251987.2); short protein forms K318del.
Identifiers: ClinVar variation 1369143 (VCV001369143.8), dbSNP rs1774734616, ClinGen allele CA1660428273.
Genomic context (GRCh38, chr6:123,438,980, plus strand): 5'-GTACATGGCTTTTAAATTTCCTACCTTTCTTTTTTGTTTCAGAAGTAACTTTCTTCTCAG[CCTT>C]CTTCTTTTCCCCTTCTTTTTCTAGAGAATACATTTAAAATATTTCCTTTAGGGAAATTTA-3'

ClinVar aggregate classification (germline): Uncertain significance. Review status: criteria provided, multiple submitters, no conflicts (2 of 4 stars). 3 submissions from 3 submitters: Uncertain significance (3). Last evaluated 2024-07-23.

Conditions:
Cardiovascular phenotype. Identifiers: MedGen CN230736.
Catecholaminergic polymorphic ventricular tachycardia 1. Also called: VENTRICULAR TACHYCARDIA, STRESS-INDUCED POLYMORPHIC 1; VENTRICULAR TACHYCARDIA, CATECHOLAMINERGIC POLYMORPHIC, 1, WITH OR WITHOUT ATRIAL DYSFUNCTION AND/OR DILATED CARDIOMYOPATHY; RYR2-Related Catecholaminergic Polymorphic Ventricular Tachycardia. Identifiers: Orphanet 3286, MedGen C1631597, MONDO:0011484, OMIM 604772.

Submissions (3):

Ambry Genetics
Classification: Uncertain significance for Cardiovascular phenotype. Last evaluated: 2024-07-23. Review status: criteria provided, single submitter. Criteria: Ambry Variant Classification Scheme 2023. Collection method: clinical testing. Allele origin: germline.
Comment: The c.952_954delAAG variant (also known as p.K318del) is located in coding exon 11 of the TRDN gene. This variant results from an in-frame AAG deletion at nucleotide positions 952 to 954. This results in the in-frame deletion of a lysine at codon 318. This amino acid position is well conserved in available vertebrate species. In addition, this alteration is predicted to be neutral by in silico analysis (Choi Y et al. PLoS ONE. 2012; 7(10):e46688). Based on the available evidence, the clinical significance of this variant remains unclear.

Mayo Clinic Laboratories, Mayo Clinic
Classification: Uncertain significance. Last evaluated: 2023-12-07. Review status: criteria provided, single submitter. Criteria: ACMG Guidelines, 2015. Collection method: clinical testing. Allele origin: germline. Observed: 1 variant allele.
Comment: PM2

Labcorp Genetics (formerly Invitae), Labcorp
Classification: Uncertain significance for Catecholaminergic polymorphic ventricular tachycardia 1. Last evaluated: 2021-08-28. Review status: criteria provided, single submitter. Criteria: Invitae Variant Classification Sherloc (09022015). Collection method: clinical testing. Allele origin: germline.
Comment: This variant, c.952_954del, results in the deletion of 1 amino acid(s) of the TRDN protein (p.Lys318del), but otherwise preserves the integrity of the reading frame. This variant is not present in population databases (ExAC no frequency). This variant has not been reported in the literature in individuals affected with TRDN-related conditions. Experimental studies and prediction algorithms are not available or were not evaluated, and the functional significance of this variant is currently unknown. In summary, the available evidence is currently insufficient to determine the role of this variant in disease. Therefore, it has been classified as a Variant of Uncertain Significance.